The following is an entry in ClinVar:

ClinVar aggregate classification (germline): Pathogenic (1 of 4 stars; one submission).

Conditions:
Leukocyte adhesion deficiency 1 (LAD1). Also called: LAD 1; Lymphocyte function-associated antigen 1 immunodeficiency; LFA 1 immunodeficiency; LEUKOCYTE ADHESION DEFICIENCY, TYPE I. Identifiers: Orphanet 2968, Orphanet 99842, MedGen C0398738, MONDO:0007293, OMIM 116920.

Allele frequency attached by ClinVar (database versions not stated): TOPMed below 0.00001; gnomAD 0.00001.

Submission:

Labcorp Genetics (formerly Invitae), Labcorp
Classification: Pathogenic for Leukocyte adhesion deficiency 1. Last evaluated: 2022-08-16. Review status: criteria provided, single submitter. Criteria: Invitae Variant Classification Sherloc (09022015). Collection method: clinical testing. Allele origin: germline.
Comment: For these reasons, this variant has been classified as Pathogenic. ClinVar contains an entry for this variant (Variation ID: 1455590). This variant has not been reported in the literature in individuals affected with ITGB2-related conditions. This variant is not present in population databases (gnomAD no frequency). This sequence change creates a premature translational stop signal (p.Gln679Argfs*36) in the ITGB2 gene. It is expected to result in an absent or disrupted protein product. Loss-of-function variants in ITGB2 are known to be pathogenic (PMID: 22134107, 25703682).

Literature cited by the submitters: PubMed 22134107; PubMed 25703682.

NM_000211.5(ITGB2):c.2036del (p.Gln679fs)

Gene: ITGB2 (integrin subunit beta 2; minus strand). Cytogenetic location: 21q22.3.
Variant type: Deletion.
Coding change: c.2036del on transcript NM_000211.5 (MANE Select); coding-DNA position 2036, one base deleted (A; older notation c.2036delA).
Protein change: p.Gln679fs; shifts the reading frame from glutamine 679.
Molecular consequence: frameshift variant.
Genome position (GRCh38, 1-based): chr21:44,888,737, T deleted on the plus strand (A on the coding strand, the reverse complement: ITGB2 is on the minus strand). VCF-style (leftmost placement, unchanged base first): chr21-44888736-CT-C. GRCh37 (hg19) VCF-style: chr21-46308651-CT-C.
Other names: c.2036del, p.Gln679fs (NM_001127491.3); c.1829del, p.Gln610fs (NM_001303238.2); short protein forms Q679fs, Q610fs.
Identifiers: ClinVar variation 1455590 (VCV001455590.6), dbSNP rs1227331406, ClinGen allele CA749750925.